The following is an entry in ClinVar:

ClinVar aggregate classification (germline): Uncertain significance. Review status: criteria provided, multiple submitters, no conflicts (2 of 4 stars). 2 submissions from 2 submitters: Uncertain significance (2). Last evaluated 2025-04-28.

Conditions:
Inborn genetic diseases. Identifiers: MedGen C0950123, MeSH D030342.
Chédiak-Higashi syndrome (CHS). Also called: Chediak-Higashi Syndrome. Identifiers: Orphanet 167, MedGen C0007965, MONDO:0008963, OMIM 214500.

Allele frequency attached by ClinVar (database versions not stated): gnomAD exomes 0.00003.
gnomAD v4.1: 40 of 1,613,372 alleles (0.0025%); highest among the groups gnomAD compares: Admixed American, 0.0033%; no homozygotes.

Submissions (2):

Ambry Genetics
Classification: Uncertain significance for Inborn genetic diseases. Last evaluated: 2025-04-28. Review status: criteria provided, single submitter. Criteria: Ambry Variant Classification Scheme 2023. Collection method: clinical testing. Allele origin: germline.

Labcorp Genetics (formerly Invitae), Labcorp
Classification: Uncertain significance for Chédiak-Higashi syndrome. Last evaluated: 2025-01-27. Review status: criteria provided, single submitter. Criteria: Invitae Variant Classification Sherloc (09022015). Collection method: clinical testing. Allele origin: germline.
Comment: This sequence change replaces lysine, which is basic and polar, with arginine, which is basic and polar, at codon 2043 of the LYST protein (p.Lys2043Arg). This variant is present in population databases (no rsID available, gnomAD 0.003%). This variant has not been reported in the literature in individuals affected with LYST-related conditions. ClinVar contains an entry for this variant (Variation ID: 2054760). Invitae Evidence Modeling of protein sequence and biophysical properties (such as structural, functional, and spatial information, amino acid conservation, physicochemical variation, residue mobility, and thermodynamic stability) indicates that this missense variant is not expected to disrupt LYST protein function with a negative predictive value of 80%. In summary, the available evidence is currently insufficient to determine the role of this variant in disease. Therefore, it has been classified as a Variant of Uncertain Significance.

NM_000081.4(LYST):c.6128A>G (p.Lys2043Arg)

Gene: LYST (lysosomal trafficking regulator; minus strand). Cytogenetic location: 1q42.3.
Variant type: single nucleotide variant.
Coding change: c.6128A>G on transcript NM_000081.4 (MANE Select); coding-DNA position 6128, A replaced by G.
Protein change: p.Lys2043Arg; replaces lysine 2043 with arginine.
Molecular consequence: missense variant.
Genome position (GRCh38, 1-based): chr1:235,762,845, T>C on the plus strand (A>G on the coding strand, the complement: LYST is on the minus strand). VCF-style: chr1-235762845-T-C. GRCh37 (hg19) VCF-style: chr1-235926145-T-C.
Other names: c.6128A>G, p.Lys2043Arg (NM_001301365.1); c.6128A>G (NM_000081.2); short protein forms K2043R.
Identifiers: ClinVar variation 2054760 (VCV002054760.4), dbSNP rs1261018254, ClinGen allele CA344945826.